The following is an entry in ClinVar:

NM_000179.3(MSH6):c.2211A>T (p.Ala737=)

Gene: MSH6 (mutS homolog 6; plus strand). Cytogenetic location: 2p16.3.
Variant type: single nucleotide variant.
Coding change: c.2211A>T on transcript NM_000179.3 (MANE Select); coding-DNA position 2211, A replaced by T.
Protein change: p.Ala737=; no amino-acid change (alanine 737 retained).
Molecular consequence: synonymous variant. On other transcripts: non-coding transcript variant (5), intron variant (2).
Genome position (GRCh38, 1-based): chr2:47,800,194, A>T. VCF-style: chr2-47800194-A-T. GRCh37 (hg19) VCF-style: chr2-48027333-A-T.
Other names: c.1821A>T, p.Ala607= (NM_001281492.2); c.1305A>T, p.Ala435= (NM_001281493.2, NM_001281494.2, NM_001406811.1 and 6 more transcripts); c.2307A>T, p.Ala769= (NM_001406795.1, NM_001406802.1); c.2211A>T, p.Ala737= (NM_001406796.1, NM_001406798.1, NM_001406800.1 and 3 more transcripts); c.1914A>T, p.Ala638= (NM_001406797.1, NM_001406801.1, NM_001406805.1 and 10 more transcripts); c.1686A>T, p.Ala562= (NM_001406799.1, NM_001406806.1, NM_001406807.1); c.2133A>T, p.Ala711= (NM_001406804.1); c.2217A>T, p.Ala739= (NM_001406813.1); and 3 more.
Identifiers: ClinVar variation 4084247 (VCV004084247.8).

ClinVar aggregate classification (germline): Likely benign (1 of 4 stars; one submission).

Submission:

CeGaT Center for Human Genetics Tuebingen
Classification: Likely benign. Last evaluated: 2025-08-01. Review status: criteria provided, single submitter. Criteria: CeGaT Center For Human Genetics Tuebingen Variant Classification Criteria Version 2. Collection method: clinical testing. Allele origin: germline. Affected: yes. Observed: 1 variant allele.
Comment: MSH6: PM2:Supporting, BP4, BP7